The following is an entry in ClinVar:

ClinVar aggregate classification (germline): Uncertain significance (1 of 4 stars; one submission).

Conditions:
Ataxia-telangiectasia syndrome (AT). Also called: Cerebello-oculocutaneous telangiectasia; Immunodeficiency with ataxia telangiectasia; Ataxia-telangiectasia, complementation group E; LOUIS-BAR SYNDROME; AT, COMPLEMENTATION GROUP C; ATAXIA-TELANGIECTASIA, COMPLEMENTATION GROUP A. Identifiers: Orphanet 100, MedGen C0004135, MONDO:0008840, OMIM 208900.

Submission:

Labcorp Genetics (formerly Invitae), Labcorp
Classification: Uncertain significance for Ataxia-telangiectasia syndrome. Last evaluated: 2025-10-23. Review status: criteria provided, single submitter. Criteria: Invitae Variant Classification Sherloc (09022015). Collection method: clinical testing. Allele origin: germline.
Comment: This sequence change affects codon 300 of the ATM mRNA. It is a 'silent' change, meaning that it does not change the encoded amino acid sequence of the ATM protein. It affects a nucleotide within the consensus splice site. This variant is not present in population databases (gnomAD no frequency). This variant has not been reported in the literature in individuals affected with ATM-related conditions. Algorithms developed to predict the effect of sequence changes on RNA splicing suggest that this variant may disrupt the consensus splice site. In summary, the available evidence is currently insufficient to determine the role of this variant in disease. Therefore, it has been classified as a Variant of Uncertain Significance.

NM_000051.4(ATM):c.900A>G (p.Lys300=)

Gene: ATM (ATM serine/threonine kinase; plus strand). Cytogenetic location: 11q22.3.
Variant type: single nucleotide variant.
Coding change: c.900A>G on transcript NM_000051.4 (MANE Select); coding-DNA position 900, A replaced by G.
Protein change: p.Lys300=; no amino-acid change (lysine 300 retained).
Molecular consequence: synonymous variant.
Genome position (GRCh38, 1-based): chr11:108,245,025, A>G. VCF-style: chr11-108245025-A-G. GRCh37 (hg19) VCF-style: chr11-108115752-A-G.
Other names: c.900A>G, p.Lys300= (NM_001351834.2).
Identifiers: ClinVar variation 4729711 (VCV004729711.1).